The following is an entry in ClinVar:

NM_001372066.1(TFAP2A):c.742G>A (p.Ala248Thr)

Genes: TFAP2A (transcription factor AP-2 alpha; minus strand), TFAP2A-AS2 (TFAP2A antisense RNA 2; plus strand), LOC121740638 (BRD4-independent group 4 enhancer GRCh37_chr6:10403277-10404476; plus strand). Cytogenetic location: 6p24.3.
Variant type: single nucleotide variant.
Coding change: c.742G>A on transcript NM_001372066.1 (MANE Select); coding-DNA position 742, G replaced by A.
Protein change: p.Ala248Thr; replaces alanine 248 with threonine.
Molecular consequence: missense variant. On other transcripts: non-coding transcript variant (1).
Genome position (GRCh38, 1-based): chr6:10,404,536, C>T on the plus strand (G>A on the coding strand, the complement: TFAP2A is on the minus strand). VCF-style: chr6-10404536-C-T. GRCh37 (hg19) VCF-style: chr6-10404769-C-T.
Other names: NM_003220.2:c.736G>A; c.718G>A, p.Ala240Thr (NM_001032280.3); c.724G>A, p.Ala242Thr (NM_001042425.3); short protein forms A240T, A242T, A248T.
Identifiers: ClinVar variation 2627467 (VCV002627467.1), dbSNP rs2532363568, ClinGen allele CA362701188.

ClinVar aggregate classification (germline): Uncertain significance (1 of 4 stars; one submission).

Conditions:
Branchiooculofacial syndrome (BOFS). Also called: Branchio-Oculo-Facial Syndrome; LIP PSEUDOCLEFT-HEMANGIOMATOUS BRANCHIAL CYST SYNDROME; BOF SYNDROME; HEMANGIOMATOUS BRANCHIAL CLEFTS-LIP PSEUDOCLEFT SYNDROME. Identifiers: Orphanet 1297, MedGen C0376524, MeSH D019280, MONDO:0007235, OMIM 113620.

Allele frequency attached by ClinVar (database versions not stated): gnomAD exomes below 0.00001.
gnomAD v4.1: 6 of 1,612,718 alleles (0.00037%); highest among the groups gnomAD compares: Non-Finnish European, 0.00051%; no homozygotes.

Submission:

Neuberg Centre For Genomic Medicine, NCGM
Classification: Uncertain significance for Branchiooculofacial syndrome. Review status: criteria provided, single submitter. Criteria: ACMG Guidelines, 2015. Collection method: clinical testing. Allele origin: germline. Inheritance: Autosomal dominant inheritance. Affected: yes.
Comment: The missense variant p.A248T in TFAP2A (NM_001372066.1) has not been reported previously as a pathogenic variant nor as a benign variant, to our knowledge. The p.A248T variant is novel (not in any individuals) in gnomAD Exomes and is novel (not in any individuals) in 1000 Genomes. The p.A248T missense variant is predicted to be damaging by both SIFT and PolyPhen2. The alanine residue at codon 248 of TFAP2A is conserved in all mammalian species. The nucleotide c.742 in TFAP2A is predicted conserved by GERP++ and PhyloP across 100 vertebrates. For these reasons, this variant has been classified as Uncertain Significance.